The following is an entry in ClinVar:

NM_000222.3(KIT):c.138A>C (p.Leu46Phe)

Gene: KIT (KIT proto-oncogene, receptor tyrosine kinase; plus strand). Cytogenetic location: 4q12.
Variant type: single nucleotide variant.
Coding change: c.138A>C on transcript NM_000222.3 (MANE Select); coding-DNA position 138, A replaced by C.
Protein change: p.Leu46Phe; replaces leucine 46 with phenylalanine.
Molecular consequence: missense variant.
Genome position (GRCh38, 1-based): chr4:54,695,582, A>C. VCF-style: chr4-54695582-A-C. GRCh37 (hg19) VCF-style: chr4-55561748-A-C.
Other names: c.138A>C, p.Leu46Phe (NM_001385285.1, NM_001385286.1, NM_001385288.1 and 4 more transcripts); short protein forms L46F.
Identifiers: ClinVar variation 2817157 (VCV002817157.3), dbSNP rs2475440636, ClinGen allele CA356896918.

ClinVar aggregate classification (germline): Uncertain significance (1 of 4 stars; one submission).

Conditions:
Gastrointestinal stromal tumor. Also called: Gastrointestinal stromal tumor, somatic; Gastrointestinal stroma tumor. Identifiers: Orphanet 44890, MedGen C0238198, MeSH D046152, MONDO:0011719, OMIM 606764, HP:0100723.

Submission:

Labcorp Genetics (formerly Invitae), Labcorp
Classification: Uncertain significance for Gastrointestinal stromal tumor. Last evaluated: 2022-11-28. Review status: criteria provided, single submitter. Criteria: Invitae Variant Classification Sherloc (09022015). Collection method: clinical testing. Allele origin: germline.
Comment: This sequence change replaces leucine, which is neutral and non-polar, with phenylalanine, which is neutral and non-polar, at codon 46 of the KIT protein (p.Leu46Phe). This variant is not present in population databases (gnomAD no frequency). This variant has not been reported in the literature in individuals affected with KIT-related conditions. Algorithms developed to predict the effect of missense changes on protein structure and function are either unavailable or do not agree on the potential impact of this missense change (SIFT: "Deleterious"; PolyPhen-2: "Benign"; Align-GVGD: "Class C0"). In summary, the available evidence is currently insufficient to determine the role of this variant in disease. Therefore, it has been classified as a Variant of Uncertain Significance.